The following is an entry in ClinVar:

NM_000512.5(GALNS):c.664C>T (p.Arg222Trp)

Gene: GALNS (galactosamine (N-acetyl)-6-sulfatase; minus strand). Cytogenetic location: 16q24.3.
Variant type: single nucleotide variant.
Coding change: c.664C>T on transcript NM_000512.5 (MANE Select); coding-DNA position 664, C replaced by T.
Protein change: p.Arg222Trp; replaces arginine 222 with tryptophan.
Molecular consequence: missense variant.
Genome position (GRCh38, 1-based): chr16:88,835,819, G>A on the plus strand (C>T on the coding strand, the complement: GALNS is on the minus strand). VCF-style: chr16-88835819-G-A. GRCh37 (hg19) VCF-style: chr16-88902227-G-A.
Other names: c.109C>T, p.Arg37Trp (NM_001323543.2); c.682C>T, p.Arg228Trp (NM_001323544.2); short protein forms R222W, R228W, R37W.
Identifiers: ClinVar variation 658160 (VCV000658160.12), dbSNP rs146963745, ClinGen allele CA8235033.

ClinVar aggregate classification (germline): Uncertain significance. Review status: criteria provided, multiple submitters, no conflicts (2 of 4 stars). 3 submissions from 3 submitters: Uncertain significance (3). Last evaluated 2022-09-23.

Conditions:
Mucopolysaccharidosis, MPS-IV-A (MPS4A). Also called: MORQUIO SYNDROME A; MPS IVA; GALACTOSAMINE-6-SULFATASE DEFICIENCY; GALNS DEFICIENCY; MORQUIO A DISEASE; mucopolysaccharidosis type 4A. Identifiers: Orphanet 309297, Orphanet 582, MedGen C0086651, MONDO:0009659, OMIM 253000.

Allele frequency attached by ClinVar (database versions not stated): gnomAD 0.00002 and 0.00003; TOPMed 0.00004; ExAC 0.00008; ESP Exome Variant Server 0.00008; gnomAD exomes 0.00010.
gnomAD v4.1: 57 of 1,614,042 alleles (0.0035%); highest among the groups gnomAD compares: Admixed American, 0.025%; 1 homozygote.

Submissions (3):

Labcorp Genetics (formerly Invitae), Labcorp
Classification: Uncertain significance for Mucopolysaccharidosis, MPS-IV-A. Last evaluated: 2022-09-23. Review status: criteria provided, single submitter. Criteria: Invitae Variant Classification Sherloc (09022015). Collection method: clinical testing. Allele origin: germline.
Comment: This sequence change replaces arginine, which is basic and polar, with tryptophan, which is neutral and slightly polar, at codon 222 of the GALNS protein (p.Arg222Trp). This variant is present in population databases (rs146963745, gnomAD 0.05%). This variant has not been reported in the literature in individuals affected with GALNS-related conditions. ClinVar contains an entry for this variant (Variation ID: 658160). Advanced modeling of protein sequence and biophysical properties (such as structural, functional, and spatial information, amino acid conservation, physicochemical variation, residue mobility, and thermodynamic stability) performed at Invitae indicates that this missense variant is not expected to disrupt GALNS protein function. In summary, the available evidence is currently insufficient to determine the role of this variant in disease. Therefore, it has been classified as a Variant of Uncertain Significance.

Genome-Nilou Lab
Classification: Uncertain significance for Mucopolysaccharidosis, MPS-IV-A. Last evaluated: 2021-11-07. Review status: criteria provided, single submitter. Criteria: ACMG Guidelines, 2015. Collection method: clinical testing. Allele origin: germline. Affected: no.

Laboratory of Diagnosis and Therapy of Lysosomal Disorders, University of Padova
Classification: Uncertain significance for Mucopolysaccharidosis, MPS-IV-A. Last evaluated: 2021-02-01. Review status: criteria provided, single submitter. Criteria: ACMG Guidelines, 2015. Collection method: research. Allele origin: germline. Affected: yes.
Comment: Very low frequency in gnomAD v2.1.1 (PM2_moderate); multiple lines of computational evidence suggest no impact on gene or gene product (BP4_supporting)

Literature cited by the submitters: PubMed 34387910 (cited by Laboratory of Diagnosis and Therapy of Lysosomal Disorders, University of Padova).